The following is an entry in ClinVar:

NM_000059.4(BRCA2):c.2027G>A (p.Cys676Tyr)

Gene: BRCA2 (BRCA2 DNA repair associated; plus strand). Cytogenetic location: 13q13.1.
Variant type: single nucleotide variant.
Coding change: c.2027G>A on transcript NM_000059.4 (MANE Select); coding-DNA position 2027, G replaced by A.
Protein change: p.Cys676Tyr; replaces cysteine 676 with tyrosine.
Molecular consequence: missense variant.
Genome position (GRCh38, 1-based): chr13:32,336,382, G>A. VCF-style: chr13-32336382-G-A. GRCh37 (hg19) VCF-style: chr13-32910519-G-A.
Other names: short protein forms C676Y.
Identifiers: ClinVar variation 1330052 (VCV001330052.3), dbSNP rs1060502422, ClinGen allele CA387768861.
Genomic context (GRCh38, chr13:32,336,382, plus strand): 5'-CTTTGTCCTTAACTAGCTCTTTTGGGACAATTCTGAGGAAATGTTCTAGAAATGAAACAT[G>A]TTCTAATAATACAGTAATCTCTCAGGATCTTGATTATAAAGAAGCAAAATGTAATAAGGA-3'
Protein context (NP_000050.3, residues 666-686): ILRKCSRNET[Cys676Tyr]SNNTVISQDL

ClinVar aggregate classification (germline): Conflicting classifications of pathogenicity. Review status: criteria provided, conflicting classifications (1 of 4 stars). 2 submissions from 2 submitters: Uncertain significance (1); Likely benign (1). Last evaluated 2023-03-23.

Conditions:
Hereditary cancer-predisposing syndrome. Also called: Hereditary Cancer Syndrome; Tumor predisposition; Neoplastic Syndromes, Hereditary; Hereditary neoplastic syndrome. Identifiers: Orphanet 140162, MedGen C0027672, MeSH D009386, MONDO:0015356.

Submissions (2):

University of Washington Department of Laboratory Medicine, University of Washington
Classification: Likely benign for Hereditary cancer-predisposing syndrome. Last evaluated: 2023-03-23. Review status: criteria provided, single submitter. Criteria: Dines et al. (Genet Med. 2020). Collection method: curation. Allele origin: germline.
Comment: Missense variant in a coldspot region where missense variants are very unlikely to be pathogenic (PMID:31911673).

BRCA2 exon 11 coldspot. Reclassification based on statistical prior probability.

Quest Diagnostics Nichols Institute San Juan Capistrano
Classification: Uncertain significance. Last evaluated: 2020-12-29. Review status: criteria provided, single submitter. Criteria: Quest Diagnostics criteria. Collection method: clinical testing. Allele origin: unknown.